The following is an entry in ClinVar:

ClinVar aggregate classification (germline): Benign/Likely benign. Review status: criteria provided, multiple submitters, no conflicts (2 of 4 stars). 3 submissions from 3 submitters: Benign (2); Likely benign (1). Last evaluated 2022-05-01.

Allele frequency attached by ClinVar (database versions not stated): TOPMed 0.00173; 1000 Genomes Project 0.00180; 1000 Genomes Project 30x 0.00187; ESP Exome Variant Server 0.00196; gnomAD exomes 0.00316 and 0.00541; gnomAD 0.00459 and 0.00475; ExAC 0.00742.
gnomAD v4.1: 5,277 of 1,590,598 alleles (0.33%); highest among the groups gnomAD compares: Admixed American, 0.25%; 44 homozygotes.

Submissions (3):

CeGaT Center for Human Genetics Tuebingen
Classification: Likely benign. Last evaluated: 2022-05-01. Review status: criteria provided, single submitter. Criteria: CeGaT Center For Human Genetics Tuebingen Variant Classification Criteria Version 2. Collection method: clinical testing. Allele origin: germline. Affected: yes. Observed: 1 variant allele.
Comment: CEP170: BP4, BP7

Labcorp Genetics (formerly Invitae), Labcorp
Classification: Benign. Last evaluated: 2018-12-01. Review status: criteria provided, single submitter. Criteria: Invitae Variant Classification Sherloc (09022015). Collection method: clinical testing. Allele origin: germline.

Breakthrough Genomics
Classification: Benign. Review status: criteria provided, single submitter. Criteria: ACMG Guidelines, 2015. Collection method: not provided. Allele origin: germline. Inheritance: Unknown mechanism. Affected: yes.

NM_014812.3(CEP170):c.3873C>T (p.Tyr1291=)

Gene: CEP170 (centrosomal protein 170; minus strand). Cytogenetic location: 1q43.
Variant type: single nucleotide variant.
Coding change: c.3873C>T on transcript NM_014812.3 (MANE Select); coding-DNA position 3873, C replaced by T.
Protein change: p.Tyr1291=; no amino-acid change (tyrosine 1291 retained).
Molecular consequence: synonymous variant.
Genome position (GRCh38, 1-based): chr1:243,156,259, G>A on the plus strand (C>T on the coding strand, the complement: CEP170 is on the minus strand). VCF-style: chr1-243156259-G-A. GRCh37 (hg19) VCF-style: chr1-243319561-G-A.
Other names: c.3579C>T, p.Tyr1193= (NM_001042404.2); c.3471C>T, p.Tyr1157= (NM_001042405.2).
Identifiers: ClinVar variation 781679 (VCV000781679.28), dbSNP rs183936101, ClinGen allele CA1482424.